The following is an entry in ClinVar:

ClinVar aggregate classification (germline): Uncertain significance (1 of 4 stars; one submission).

Conditions:
Amyotrophic lateral sclerosis type 15. Also called: AMYOTROPHIC LATERAL SCLEROSIS 15 WITH FRONTOTEMPORAL DEMENTIA. Identifiers: Orphanet 803, MedGen C3275459, MONDO:0010459, OMIM 300857.

Allele frequency attached by ClinVar (database versions not stated): gnomAD 0.00001; gnomAD exomes 0.00002.

Submission:

Labcorp Genetics (formerly Invitae), Labcorp
Classification: Uncertain significance for Amyotrophic lateral sclerosis type 15. Last evaluated: 2021-09-17. Review status: criteria provided, single submitter. Criteria: Invitae Variant Classification Sherloc (09022015). Collection method: clinical testing. Allele origin: germline.
Comment: In summary, the available evidence is currently insufficient to determine the role of this variant in disease. Therefore, it has been classified as a Variant of Uncertain Significance. Experimental studies and prediction algorithms are not available or were not evaluated, and the functional significance of this variant is currently unknown. This missense change has been observed in individual(s) with clinical features of UBQLN2-related conditions (Invitae). This variant is not present in population databases (ExAC no frequency). This sequence change replaces glycine with aspartic acid at codon 532 of the UBQLN2 protein (p.Gly532Asp). The glycine residue is weakly conserved and there is a moderate physicochemical difference between glycine and aspartic acid.

NM_013444.4(UBQLN2):c.1595G>A (p.Gly532Asp)

Gene: UBQLN2 (ubiquilin 2; plus strand). Cytogenetic location: Xp11.21.
Variant type: single nucleotide variant.
Coding change: c.1595G>A on transcript NM_013444.4 (MANE Select); coding-DNA position 1595, G replaced by A.
Protein change: p.Gly532Asp; replaces glycine 532 with aspartic acid.
Molecular consequence: missense variant.
Genome position (GRCh38, 1-based): chrX:56,565,468, G>A. VCF-style: chrX-56565468-G-A. GRCh37 (hg19) VCF-style: chrX-56591901-G-A.
Other names: short protein forms G532D.
Identifiers: ClinVar variation 1397296 (VCV001397296.6), dbSNP rs1343347647, ClinGen allele CA413380876.
Genomic context (GRCh38, chrX:56,565,468, plus strand): 5'-CCATTGGGCCCATAGGACCCACTGGCCCTGCAGCCCCCCCTGGCTCCACCGGCTCTGGTG[G>A]CCCCACGGGGCCTACTGTGTCCAGCGCTGCACCTAGTGAAACCACGAGTCCTACATCAGA-3'
Protein context (NP_038472.2, residues 522-542): AAPPGSTGSG[Gly532Asp]PTGPTVSSAA